The following is an entry in ClinVar:

ClinVar aggregate classification (germline): Pathogenic (1 of 4 stars; one submission).

Conditions:
Ataxia-telangiectasia syndrome (AT). Also called: ATAXIA-TELANGIECTASIA, COMPLEMENTATION GROUP A; ATAXIA-TELANGIECTASIA, FRESNO VARIANT; LOUIS-BAR SYNDROME; Cerebello-oculocutaneous telangiectasia; Immunodeficiency with ataxia telangiectasia; Ataxia-telangiectasia, complementation group E. Identifiers: Orphanet 100, MedGen C0004135, MONDO:0008840, OMIM 208900.

Submission:

Labcorp Genetics (formerly Invitae), Labcorp
Classification: Pathogenic for Ataxia-telangiectasia syndrome. Last evaluated: 2024-01-31. Review status: criteria provided, single submitter. Criteria: Invitae Variant Classification Sherloc (09022015). Collection method: clinical testing. Allele origin: germline.
Comment: This sequence change creates a premature translational stop signal (p.Arg1917Lysfs*12) in the ATM gene. It is expected to result in an absent or disrupted protein product. Loss-of-function variants in ATM are known to be pathogenic (PMID: 23807571, 25614872). This variant is not present in population databases (gnomAD no frequency). This variant has not been reported in the literature in individuals affected with ATM-related conditions. For these reasons, this variant has been classified as Pathogenic.

Literature cited by the submitters: PubMed 23807571; PubMed 25614872.

NM_000051.4(ATM):c.5750_5751del (p.Arg1917fs)

Gene: ATM (ATM serine/threonine kinase; plus strand). Cytogenetic location: 11q22.3.
Variant type: Microsatellite.
Coding change: c.5750_5751del on transcript NM_000051.4 (MANE Select); coding-DNA positions 5750 to 5751, 2 bases deleted (GA; older notation c.5750_5751delGA).
Protein change: p.Arg1917fs; shifts the reading frame from arginine 1917.
Molecular consequence: frameshift variant.
Genome position (GRCh38, 1-based): chr11:108,307,972-108,307,973, GA deleted; deleting any 2 consecutive bases within chr11:108,307,970-108,307,973 gives the same sequence; the c. name uses the placement nearest the transcript's 3' end. VCF-style (leftmost placement, unchanged base first): chr11-108307969-TGA-T. GRCh37 (hg19) VCF-style: chr11-108178696-TGA-T.
Other names: c.5750_5751del, p.Arg1917fs (NM_001351834.2); short protein forms R1917fs.
Identifiers: ClinVar variation 3637515 (VCV003637515.2).